The following is an entry in ClinVar:

ClinVar aggregate classification (germline): Uncertain significance (1 of 4 stars; one submission).

Conditions:
Early Myoclonic Encephalopathy. Identifiers: MedGen C0270855.

Allele frequency attached by ClinVar (database versions not stated): gnomAD exomes below 0.00001.
gnomAD v4.1: 1 of 1,614,120 alleles (0.000062%); highest among the groups gnomAD compares: Non-Finnish European, 0.000085%; no homozygotes.

Submission:

Labcorp Genetics (formerly Invitae), Labcorp
Classification: Uncertain significance for Early Myoclonic Encephalopathy. Last evaluated: 2022-03-23. Review status: criteria provided, single submitter. Criteria: Invitae Variant Classification Sherloc (09022015). Collection method: clinical testing. Allele origin: germline.
Comment: This variant is not present in population databases (gnomAD no frequency). This sequence change replaces threonine, which is neutral and polar, with alanine, which is neutral and non-polar, at codon 753 of the JMJD1C protein (p.Thr753Ala). This variant has not been reported in the literature in individuals affected with JMJD1C-related conditions. In summary, the available evidence is currently insufficient to determine the role of this variant in disease. Therefore, it has been classified as a Variant of Uncertain Significance. Algorithms developed to predict the effect of missense changes on protein structure and function (SIFT, PolyPhen-2, Align-GVGD) all suggest that this variant is likely to be tolerated. ClinVar contains an entry for this variant (Variation ID: 950564).

NM_032776.3(JMJD1C):c.2257A>G (p.Thr753Ala)

Gene: JMJD1C (jumonji domain containing 1C; minus strand). Cytogenetic location: 10q21.3.
Variant type: single nucleotide variant.
Coding change: c.2257A>G on transcript NM_032776.3 (MANE Select); coding-DNA position 2257, A replaced by G.
Protein change: p.Thr753Ala; replaces threonine 753 with alanine.
Molecular consequence: missense variant. On other transcripts: non-coding transcript variant (1).
Genome position (GRCh38, 1-based): chr10:63,213,910, T>C on the plus strand (A>G on the coding strand, the complement: JMJD1C is on the minus strand). VCF-style: chr10-63213910-T-C. GRCh37 (hg19) VCF-style: chr10-64973670-T-C.
Other names: c.1711A>G, p.Thr571Ala (NM_001282948.2, NM_001318154.2); c.1393A>G, p.Thr465Ala (NM_001318153.2); c.2143A>G, p.Thr715Ala (NM_001322252.2); c.1600A>G, p.Thr534Ala (NM_001322254.2, NM_001322258.2); short protein forms T571A, T715A, T534A, T753A, T465A.
Identifiers: ClinVar variation 950564 (VCV000950564.9), dbSNP rs1847660816, ClinGen allele CA377046355.
Genomic context (GRCh38, chr10:63,213,910, plus strand): 5'-GAGTTTGACTAGATGATCCGGCTAGTAAATGGGGTGCAGGAGTTAAGGCAGGATGATGGG[T>C]ACCTGGATTTAAACAGGTTCTATGAGATGAGGAGTGAAGAGGAAAAGGATGCTGGCTTAG-3'
Protein context (NP_116165.1, residues 743-763): SSHRTCLNPG[Thr753Ala]HHPALTPAPH